The following is an entry in ClinVar:

ClinVar aggregate classification (germline): Likely pathogenic. Review status: criteria provided, single submitter (1 of 4 stars). 3 submissions from 2 submitters: Likely pathogenic (1). 2 of the submissions do not count toward it. Last evaluated 2021-12-16.

Conditions:
Erythrocytosis, familial, 7. Also called: ERYTHROCYTOSIS, ALPHA-GLOBIN TYPE; POLYCYTHEMIA, ALPHA-GLOBIN TYPE; ERYTHROCYTOSIS 7. Identifiers: MedGen C4693823, MONDO:0054802, OMIM 617981.
HEMOGLOBIN MILLEDGEVILLE.

Allele frequency attached by ClinVar (database versions not stated): gnomAD exomes below 0.00001.
gnomAD v4.1: 1 of 1,196,798 alleles (0.000084%); highest among the groups gnomAD compares: Non-Finnish European, 0.00012%; no homozygotes.

Submissions (3):

ARUP Laboratories, Molecular Genetics and Genomics, ARUP Laboratories
Classification: Likely pathogenic. Last evaluated: 2021-12-16. Review status: criteria provided, single submitter. Criteria: ARUP Molecular Germline Variant Investigation Process 2021. Collection method: clinical testing. Allele origin: germline.
Comment: The Hb Milledgeville variant (HBA1: c.134C>T; p.Pro45Leu, also known as Pro44Leu when numbered from the mature protein, rs33978134) has been found heterozygous in multiple individuals with mild erythrocytosis (see link to HbVar and references therein). This variant has been reported to have increased oxygen affinity with reduced cooperativity. This variant is absent from the Genome Aggregation Database, indicating it is not a common polymorphism. The proline at codon 45 is highly conserved, and computational analyses are uncertain whether this variant is neutral or deleterious (REVEL: 0.544). Based on available information, this variant is considered to be likely pathogenic. References: Link to HbVar for Hb Milledgeville

OMIM
Classification: other for HEMOGLOBIN MILLEDGEVILLE. Last evaluated: 2019-11-01. Review status: no assertion criteria provided. Collection method: literature only. Allele origin: germline. Not counted in ClinVar's aggregate classification.

OMIM
Classification: Pathogenic for ERYTHROCYTOSIS 7. Last evaluated: 1980-12-16. Review status: no assertion criteria provided. Collection method: literature only. Allele origin: germline. Not counted in ClinVar's aggregate classification.

Literature cited by the submitters: PubMed 7213661 (cited by OMIM).

NM_000558.3(HBA1):c.134C>T (p.Pro45Leu)

Genes: HBA1 (hemoglobin subunit alpha 1; plus strand), LOC106804613 (hemoglobin subunit alpha 1 recombination region; plus strand). Cytogenetic location: 16p13.3.
Variant type: single nucleotide variant.
Coding change: c.134C>T on transcript NM_000558.3; coding-DNA position 134, C replaced by T.
Protein change: p.Pro45Leu; replaces proline 45 with leucine.
Molecular consequence: missense variant (on NM_000558.5).
Genome position (GRCh38, 1-based): chr16:176,967, C>T. VCF-style: chr16-176967-C-T. GRCh37 (hg19) VCF-style: chr16-226966-C-T.
Other names: P44L; c.134C>T, p.Pro45Leu (NM_000558.5); short protein forms P45L.
Identifiers: ClinVar variation 15783 (VCV000015783.9), dbSNP rs33978134, ClinGen allele CA125827.
Genomic context (GRCh38, chr16:176,967, plus strand): 5'-CTCACTCTGCTTCTCCCCGCAGGATGTTCCTGTCCTTCCCCACCACCAAGACCTACTTCC[C>T]GCACTTCGACCTGAGCCACGGCTCTGCCCAGGTTAAGGGCCACGGCAAGAAGGTGGCCGA-3'
Protein context (NP_000549.1, residues 35-55): LSFPTTKTYF[Pro45Leu]HFDLSHGSAQ